The following is an entry in ClinVar:

ClinVar aggregate classification (germline): Uncertain significance (1 of 4 stars; one submission).

Allele frequency attached by ClinVar (database versions not stated): TOPMed below 0.00001; gnomAD 0.00001 and 0.00002.
gnomAD v4.1: 25 of 1,554,514 alleles (0.0016%); highest among the groups gnomAD compares: African/African-American, 0.018%; no homozygotes.

Submission:

Labcorp Genetics (formerly Invitae), Labcorp
Classification: Uncertain significance. Last evaluated: 2024-01-08. Review status: criteria provided, single submitter. Criteria: Invitae Variant Classification Sherloc (09022015). Collection method: clinical testing. Allele origin: germline.
Comment: This sequence change replaces phenylalanine, which is neutral and non-polar, with leucine, which is neutral and non-polar, at codon 28 of the CRAT protein (p.Phe28Leu). This variant is not present in population databases (gnomAD no frequency). This variant has not been reported in the literature in individuals affected with CRAT-related conditions. ClinVar contains an entry for this variant (Variation ID: 1461376). Advanced modeling of protein sequence and biophysical properties (such as structural, functional, and spatial information, amino acid conservation, physicochemical variation, residue mobility, and thermodynamic stability) performed at Invitae indicates that this missense variant is not expected to disrupt CRAT protein function with a negative predictive value of 80%. In summary, the available evidence is currently insufficient to determine the role of this variant in disease. Therefore, it has been classified as a Variant of Uncertain Significance.

NM_000755.5(CRAT):c.82T>C (p.Phe28Leu)

Gene: CRAT (carnitine O-acetyltransferase; minus strand). Cytogenetic location: 9q34.11.
Variant type: single nucleotide variant.
Coding change: c.82T>C on transcript NM_000755.5 (MANE Select); coding-DNA position 82, T replaced by C.
Protein change: p.Phe28Leu; replaces phenylalanine 28 with leucine.
Molecular consequence: missense variant.
Genome position (GRCh38, 1-based): chr9:129,108,023, A>G on the plus strand (T>C on the coding strand, the complement: CRAT is on the minus strand). VCF-style: chr9-129108023-A-G. GRCh37 (hg19) VCF-style: chr9-131870302-A-G.
Other names: c.19T>C, p.Phe7Leu (NM_001257363.3, NM_001346548.2, NM_004003.4); c.85T>C, p.Phe29Leu (NM_001346546.2); c.82T>C, p.Phe28Leu (NM_001346547.2, NM_001346549.2); short protein forms F28L, F29L, F7L.
Identifiers: ClinVar variation 1461376 (VCV001461376.6), dbSNP rs111827825, ClinGen allele CA200442105.
Genomic context (GRCh38, chr9:129,108,023, plus strand): 5'-CCAGGGACTGCTGGAGAGGGGGCACGGGCAGCCGTGGCAGTGCATCCTGGTGTGCCTTGA[A>G]GCGGCTGGAAGCCTTCATCAAGGAGAAGGGCTTCAGGAAGCCCAGAGGCTTCACCTGCAG-3'
Protein context (NP_000746.3, residues 18-38): PFSLMKASSR[Phe28Leu]KAHQDALPRL